The following is an entry in ClinVar:

ClinVar aggregate classification (germline): Likely benign. Review status: criteria provided, multiple submitters, no conflicts (2 of 4 stars). 2 submissions from 2 submitters: Likely benign (2). Last evaluated 2025-08-27.

Allele frequency attached by ClinVar (database versions not stated): ExAC 0.00004; ESP Exome Variant Server 0.00008; gnomAD 0.00008.
gnomAD v4.1: 33 of 1,612,710 alleles (0.002%); highest among the groups gnomAD compares: Admixed American, 0.02%; no homozygotes.

Submissions (2):

Labcorp Genetics (formerly Invitae), Labcorp
Classification: Likely benign. Last evaluated: 2025-08-27. Review status: criteria provided, single submitter. Criteria: Invitae Variant Classification Sherloc (09022015). Collection method: clinical testing. Allele origin: germline.

CeGaT Center for Human Genetics Tuebingen
Classification: Likely benign. Last evaluated: 2025-02-01. Review status: criteria provided, single submitter. Criteria: CeGaT Center For Human Genetics Tuebingen Variant Classification Criteria Version 2. Collection method: clinical testing. Allele origin: germline. Affected: yes. Observed: 1 variant allele.
Comment: IARS1: BP4, BP7

NM_002161.6(IARS1):c.984C>T (p.Phe328=)

Gene: IARS1 (isoleucyl-tRNA synthetase 1; minus strand). Cytogenetic location: 9q22.31.
Variant type: single nucleotide variant.
Coding change: c.984C>T on transcript NM_002161.6 (MANE Select); coding-DNA position 984, C replaced by T.
Protein change: p.Phe328=; no amino-acid change (phenylalanine 328 retained).
Molecular consequence: synonymous variant. On other transcripts: non-coding transcript variant (1).
Genome position (GRCh38, 1-based): chr9:92,274,432, G>A on the plus strand (C>T on the coding strand, the complement: IARS1 is on the minus strand). VCF-style: chr9-92274432-G-A. GRCh37 (hg19) VCF-style: chr9-95036714-G-A.
Other names: c.984C>T, p.Phe328= (NM_001374299.1, NM_001374300.1, NM_001374301.1 and 14 more transcripts); c.1047C>T, p.Phe349= (NM_001378569.1); c.1005C>T, p.Phe335= (NM_001378571.1); c.861C>T, p.Phe287= (NM_001378583.1).
Identifiers: ClinVar variation 3013812 (VCV003013812.16), dbSNP rs370595725, ClinGen allele CA5122786.